The following is an entry in ClinVar:

NM_182961.4(SYNE1):c.10786G>A (p.Val3596Met)

Gene: SYNE1 (spectrin repeat containing nuclear envelope protein 1; minus strand). Cytogenetic location: 6q25.2.
Variant type: single nucleotide variant.
Coding change: c.10786G>A on transcript NM_182961.4 (MANE Select); coding-DNA position 10786, G replaced by A.
Protein change: p.Val3596Met; replaces valine 3596 with methionine.
Molecular consequence: missense variant.
Genome position (GRCh38, 1-based): chr6:152,354,799, C>T on the plus strand (G>A on the coding strand, the complement: SYNE1 is on the minus strand). VCF-style: chr6-152354799-C-T. GRCh37 (hg19) VCF-style: chr6-152675934-C-T.
Other names: c.10807G>A, p.Val3603Met (NM_033071.5); short protein forms V3596M, V3603M.
Identifiers: ClinVar variation 289756 (VCV000289756.23), dbSNP rs143034104, ClinGen allele CA4056875.

ClinVar aggregate classification (germline): Conflicting classifications of pathogenicity. Review status: criteria provided, conflicting classifications (1 of 4 stars). 8 submissions from 7 submitters: Uncertain significance (1); Benign (2); Likely benign (4). 1 of the submissions does not count toward it. Last evaluated 2025-12-31.

Conditions:
SYNE1-related disorder. Also called: SYNE1-related disorders; SYNE1-related disease; SYNE1-related condition.
Autosomal recessive ataxia, Beauce type. Also called: Spinocerebellar ataxia, autosomal recessive 8; SYNE1-Related Autosomal Recessive Cerebellar Ataxia; SYNE1 Deficiency; ATAXIA, RECESSIVE, OF BEAUCE. Identifiers: Orphanet 88644, MedGen C1853116, MONDO:0012549, OMIM 610743.
Emery-Dreifuss muscular dystrophy 4, autosomal dominant (EDMD4). Also called: EMERY-DREIFUSS MUSCULAR DYSTROPHY 4 WITH VARIABLE FEATURES. Identifiers: Orphanet 261, MedGen C2751807, MONDO:0013071, OMIM 612998.

Allele frequency attached by ClinVar (database versions not stated): 1000 Genomes Project 0.00020; TOPMed 0.00025; 1000 Genomes Project 30x 0.00031; ESP Exome Variant Server 0.00069; gnomAD 0.00019.
gnomAD v4.1: 331 of 1,614,184 alleles (0.021%); highest among the groups gnomAD compares: Middle Eastern, 0.15%; 2 homozygotes.

Submissions (8):

Labcorp Genetics (formerly Invitae), Labcorp
Classification: Likely benign for Emery-Dreifuss muscular dystrophy 4, autosomal dominant; Autosomal recessive ataxia, Beauce type. Last evaluated: 2025-12-31. Review status: criteria provided, single submitter. Criteria: Invitae Variant Classification Sherloc (09022015). Collection method: clinical testing. Allele origin: germline.

Blueprint Genetics
Classification: Likely benign. Last evaluated: 2024-10-01. Review status: criteria provided, single submitter. Criteria: ACMG Guidelines, 2015. Collection method: clinical testing. Allele origin: germline.

Athena Diagnostics
Classification: Benign. Last evaluated: 2020-01-07. Review status: criteria provided, single submitter. Criteria: Athena Diagnostics Criteria. Collection method: clinical testing. Allele origin: unknown.

Illumina Laboratory Services, Illumina
Classification: Benign for Emery-Dreifuss muscular dystrophy 4, autosomal dominant. Last evaluated: 2018-01-13. Review status: criteria provided, single submitter. Criteria: ICSL Variant Classification Criteria 13 December 2019. Collection method: clinical testing. Allele origin: germline.
Comment: This variant was observed in the ICSL laboratory as part of a predisposition screen in an ostensibly healthy population. It had not been previously curated by ICSL or reported in the Human Gene Mutation Database (HGMD: prior to June 1st, 2018), and was therefore a candidate for classification through an automated scoring system. Utilizing variant allele frequency, disease prevalence and penetrance estimates, and inheritance mode, an automated score was calculated to assess if this variant is too frequent to cause the disease. Based on the score and internal cut-off values, a variant classified as benign is not then subjected to further curation. The score for this variant resulted in a classification of benign for this disease.

Illumina Laboratory Services, Illumina
Classification: Uncertain significance for Autosomal recessive ataxia, Beauce type. Last evaluated: 2018-01-13. Review status: criteria provided, single submitter. Criteria: ICSL Variant Classification Criteria 13 December 2019. Collection method: clinical testing. Allele origin: germline.

GeneDx
Classification: Likely benign. Last evaluated: 2017-06-27. Review status: criteria provided, single submitter. Criteria: GeneDx Variant Classification (06012015). Collection method: clinical testing. Allele origin: germline. Affected: yes.
Comment: This variant is considered likely benign or benign based on one or more of the following criteria: it is a conservative change, it occurs at a poorly conserved position in the protein, it is predicted to be benign by multiple in silico algorithms, and/or has population frequency not consistent with disease.

Eurofins Ntd Llc (ga)
Classification: Likely benign. Last evaluated: 2017-06-20. Review status: criteria provided, single submitter. Criteria: EGL Classification Definitions 2015. Collection method: clinical testing. Allele origin: germline. Observed: 4 variant alleles, 4 heterozygotes.

PreventionGenetics, part of Exact Sciences
Classification: Likely benign for SYNE1-related condition. Last evaluated: 2022-10-08. Review status: no assertion criteria provided. Collection method: clinical testing. Allele origin: germline. Not counted in ClinVar's aggregate classification.
Comment: This variant is classified as likely benign based on ACMG/AMP sequence variant interpretation guidelines (Richards et al. 2015 PMID: 25741868, with internal and published modifications).